The following is an entry in ClinVar:

ClinVar aggregate classification (germline): Uncertain significance. Review status: criteria provided, multiple submitters, no conflicts (2 of 4 stars). 4 submissions from 4 submitters: Uncertain significance (4). Last evaluated 2025-11-08.

Conditions:
Cardiovascular phenotype. Identifiers: MedGen CN230736.
Cardiomyopathy (CMYO). Also called: Cardiomyopathies. Identifiers: Orphanet 167848, MedGen C0878544, MONDO:0004994, HP:0001638. Inheritance: Various modes of inheritance.
Hypertrophic cardiomyopathy. Also called: HYPERTROPHIC MYOCARDIOPATHY. Identifiers: Orphanet 217569, MedGen C0007194, MeSH D002312, MONDO:0005045, HP:0001639.

Allele frequency attached by ClinVar (database versions not stated): TOPMed below 0.00001; gnomAD 0.00001; gnomAD exomes 0.00001; ExAC 0.00002.
gnomAD v4.1: 13 of 1,613,140 alleles (0.00081%); highest among the groups gnomAD compares: African/African-American, 0.0013%; no homozygotes.

Submissions (4):

Labcorp Genetics (formerly Invitae), Labcorp
Classification: Uncertain significance for Hypertrophic cardiomyopathy. Last evaluated: 2025-11-08. Review status: criteria provided, single submitter. Criteria: Invitae Variant Classification Sherloc (09022015). Collection method: clinical testing. Allele origin: germline.
Comment: This sequence change replaces glutamic acid, which is acidic and polar, with lysine, which is basic and polar, at codon 1261 of the MYBPC3 protein (p.Glu1261Lys). This variant is present in population databases (rs730880141, gnomAD 0.009%). This variant has not been reported in the literature in individuals affected with MYBPC3-related conditions. ClinVar contains an entry for this variant (Variation ID: 180414). An algorithm developed to predict the effect of missense changes on protein structure and function (PolyPhen-2) suggests that this variant is likely to be tolerated. In summary, the available evidence is currently insufficient to determine the role of this variant in disease. Therefore, it has been classified as a Variant of Uncertain Significance.

Color Diagnostics, LLC DBA Color Health
Classification: Uncertain significance for Cardiomyopathy. Last evaluated: 2024-08-05. Review status: criteria provided, single submitter. Criteria: ACMG Guidelines, 2015. Collection method: clinical testing. Allele origin: germline.
Comment: This missense variant replaces glutamic acid with lysine at codon 1261 of the MYBPC3 protein. Computational prediction tools indicate that this variant has a neutral impact on protein structure and function. To our knowledge, functional studies have not been reported for this variant. This variant has not been reported in individuals affected with MYBPC3-related disorders in the literature. This variant has been identified in 3/248532 chromosomes in the general population by the Genome Aggregation Database (gnomAD). The available evidence is insufficient to determine the role of this variant in disease conclusively. Therefore, this variant is classified as a Variant of Uncertain Significance.

All of Us Research Program, National Institutes of Health
Classification: Uncertain significance for Hypertrophic cardiomyopathy. Last evaluated: 2023-08-15. Review status: criteria provided, single submitter. Criteria: ACMG Guidelines, 2015. Collection method: clinical testing. Allele origin: germline. Inheritance: Autosomal dominant inheritance. Observed: 1 variant allele, 1 heterozygote.
Comment: This missense variant replaces glutamic acid with lysine at codon 1261 of the MYBPC3 protein. Computational prediction suggests that this variant may not impact protein structure and function (internally defined REVEL score threshold <= 0.5, PMID: 27666373). To our knowledge, functional studies have not been reported for this variant. This variant has not been reported in individuals affected with cardiovascular disorders in the literature. This variant has been identified in 3/248532 chromosomes in the general population by the Genome Aggregation Database (gnomAD). The available evidence is insufficient to determine the role of this variant in disease conclusively. Therefore, this variant is classified as a Variant of Uncertain Significance.

This study involves interpretation of variants in research participants for the purpose of population health screening. Participant phenotype was not available at the time of variant classification. Additional details can be found in publication PMID: 35346344, PMCID: PMC8962531

Ambry Genetics
Classification: Uncertain significance for Cardiovascular phenotype. Last evaluated: 2021-03-09. Review status: criteria provided, single submitter. Criteria: Ambry Variant Classification Scheme 2023. Collection method: clinical testing. Allele origin: germline.
Comment: The p.E1261K variant (also known as c.3781G>A), located in coding exon 33 of the MYBPC3 gene, results from a G to A substitution at nucleotide position 3781. The glutamic acid at codon 1261 is replaced by lysine, an amino acid with similar properties. This amino acid position is well conserved in available vertebrate species; however, lysine is the reference amino acid in other vertebrate species. In addition, the in silico prediction for this alteration is inconclusive. Since supporting evidence is limited at this time, the clinical significance of this alteration remains unclear.

NM_000256.3(MYBPC3):c.3781G>A (p.Glu1261Lys)

Gene: MYBPC3 (myosin binding protein C3; minus strand). Cytogenetic location: 11p11.2.
Variant type: single nucleotide variant.
Coding change: c.3781G>A on transcript NM_000256.3 (MANE Select); coding-DNA position 3781, G replaced by A.
Protein change: p.Glu1261Lys; replaces glutamic acid 1261 with lysine.
Molecular consequence: missense variant.
Genome position (GRCh38, 1-based): chr11:47,332,105, C>T on the plus strand (G>A on the coding strand, the complement: MYBPC3 is on the minus strand). VCF-style: chr11-47332105-C-T. GRCh37 (hg19) VCF-style: chr11-47353656-C-T.
Other names: c.3781G>A, p.Glu1261Lys (LRG_386t1); short protein forms E1261K.
Identifiers: ClinVar variation 180414 (VCV000180414.13), dbSNP rs730880141, ClinGen allele CA014880.